The following is an entry in ClinVar:

NM_000428.3(LTBP2):c.1117T>C (p.Cys373Arg)

Gene: LTBP2 (latent transforming growth factor beta binding protein 2; minus strand). Cytogenetic location: 14q24.3.
Variant type: single nucleotide variant.
Coding change: c.1117T>C on transcript NM_000428.3 (MANE Select); coding-DNA position 1117, T replaced by C.
Protein change: p.Cys373Arg; replaces cysteine 373 with arginine.
Molecular consequence: missense variant.
Genome position (GRCh38, 1-based): chr14:74,552,967, A>G on the plus strand (T>C on the coding strand, the complement: LTBP2 is on the minus strand). VCF-style: chr14-74552967-A-G. GRCh37 (hg19) VCF-style: chr14-75019670-A-G.
Other names: short protein forms C373R.
Identifiers: ClinVar variation 4810982 (VCV004810982.1).

ClinVar aggregate classification (germline): Uncertain significance (1 of 4 stars; one submission).

Submission:

Labcorp Genetics (formerly Invitae), Labcorp
Classification: Uncertain significance. Last evaluated: 2026-01-28. Review status: criteria provided, single submitter. Criteria: Invitae Variant Classification Sherloc (09022015). Collection method: clinical testing. Allele origin: germline.
Comment: This sequence change replaces cysteine, which is neutral and slightly polar, with arginine, which is basic and polar, at codon 373 of the LTBP2 protein (p.Cys373Arg). This variant is not present in population databases (gnomAD no frequency). This variant has not been reported in the literature in individuals affected with LTBP2-related conditions. An algorithm developed to predict the effect of missense changes on protein structure and function (PolyPhen-2) suggests that this variant is likely to be disruptive. In summary, the available evidence is currently insufficient to determine the role of this variant in disease. Therefore, it has been classified as a Variant of Uncertain Significance.